The following is an entry in ClinVar:

ClinVar aggregate classification (germline): Uncertain significance. Review status: criteria provided, single submitter (1 of 4 stars). 2 submissions from 2 submitters: Uncertain significance (1). 1 of the submissions does not count toward it. Last evaluated 2022-03-19.

Conditions:
Neuronal ceroid lipofuscinosis. Also called: Neuronal Ceroid Lipofuscinoses. Identifiers: Orphanet 216, Orphanet 79263, MedGen C0027877, MONDO:0016295. Disease mechanism: loss of function.

Submissions (2):

Labcorp Genetics (formerly Invitae), Labcorp
Classification: Uncertain significance for Neuronal ceroid lipofuscinosis. Last evaluated: 2022-03-19. Review status: criteria provided, single submitter. Criteria: Invitae Variant Classification Sherloc (09022015). Collection method: clinical testing. Allele origin: germline.
Comment: This sequence change replaces glycine, which is neutral and non-polar, with arginine, which is basic and polar, at codon 17 of the CLN5 protein (p.Gly17Arg). The frequency data for this variant in the population databases is considered unreliable, as metrics indicate poor data quality at this position in the gnomAD database. This variant has not been reported in the literature in individuals affected with CLN5-related conditions. ClinVar contains an entry for this variant (Variation ID: 964504). Algorithms developed to predict the effect of missense changes on protein structure and function output the following: SIFT: "Deleterious"; PolyPhen-2: "Probably Damaging"; Align-GVGD: "Class C0". The arginine amino acid residue is found in multiple mammalian species, which suggests that this missense change does not adversely affect protein function. In summary, the available evidence is currently insufficient to determine the role of this variant in disease. Therefore, it has been classified as a Variant of Uncertain Significance.

Natera, Inc.
Classification: Uncertain significance for Neuronal ceroid lipofuscinosis. Last evaluated: 2020-04-13. Review status: no assertion criteria provided. Collection method: clinical testing. Allele origin: germline. Not counted in ClinVar's aggregate classification.

NM_006493.4(CLN5):c.-99G>A

Gene: CLN5 (CLN5 lysosomal BMP synthase; plus strand). Cytogenetic location: 13q22.3.
Variant type: single nucleotide variant.
Coding change: c.-99G>A on transcript NM_006493.4 (MANE Select); 99 bases upstream of the start codon, G replaced by A.
Genome position (GRCh38, 1-based): chr13:76,992,000, G>A. VCF-style: chr13-76992000-G-A. GRCh37 (hg19) VCF-style: chr13-77566135-G-A.
Identifiers: ClinVar variation 964504 (VCV000964504.10), dbSNP rs202118652, ClinGen allele CA7007079.